The following continues an entry in ClinVar:

NM_000492.4(CFTR):c.4357C>T (p.Arg1453Trp)

ClinVar aggregate classification (germline): Conflicting classifications of pathogenicity. Uncertain significance (13); Likely benign (3).

Submissions 12 to 20 of 20:

ARUP Laboratories, Molecular Genetics and Genomics, ARUP Laboratories
Classification: Uncertain significance. Last evaluated: 2020-02-20. Review status: criteria provided, single submitter. Criteria: ARUP Molecular Germline Variant Investigation Process. Collection method: clinical testing. Allele origin: germline.
Comment: The CFTR c.4357C>T; p.Arg1453Trp variant (rs4148725) is reported in the literature in individuals with chronic pancreatitis and bronchiectasis, as well as in control individuals (Keiles 2006, Kondo 2015, Lee 2003, Nakano 2015). While one study reported significant enrichment of this variant in individuals with idiopathic pancreatitis (Kondo 2015), this study included a small number of subjects, and a second study did not observe significant enrichment among pancreatitis patients (Nakano 2015). The p.Arg1453Trp variant is reported in ClinVar (Variation ID: 411121) and is found in the East Asian population with an allele frequency of 0.1% (20/19892 alleles) in the Genome Aggregation Database. The arginine at codon 1453 is moderately conserved, and computational analyses (SIFT, PolyPhen-2) predict that this variant is deleterious. Consistent with these predictions, chloride channel activity assays suggest that the p.Arg1453Trp variant exhibits a substantially reduced probability of opening, though this results in only a mild reduction in channel current (Lee 2003). Due to limited information, the clinical significance of the p.Arg1453Trp variant is uncertain at this time. References: Keiles S and Kammesheidt A. Identification of CFTR, PRSS1, and SPINK1 mutations in 381 patients with pancreatitis. Pancreas. 2006 Oct;33(3):221-7. Kondo S et al. Functional characteristics of L1156F-CFTR associated with alcoholic chronic pancreatitis in Japanese. Am J Physiol Gastrointest Liver Physiol. 2015 Aug 15;309(4):G260-9. Lee JH et al. A haplotype-based molecular analysis of CFTR mutations associated with respiratory and pancreatic diseases. Hum Mol Genet. 2003 Sep 15;12(18):2321-32. Nakano E et al. Targeted next-generation sequencing effectively analyzed the cystic fibrosis transmembrane conductance regulator gene in pancreatitis. Dig Dis Sci. 2015 May;60(5):1297-307.

Genome Diagnostics Laboratory, The Hospital for Sick Children
Classification: Uncertain significance for Cystic fibrosis. Last evaluated: 2019-07-25. Review status: criteria provided, single submitter. Criteria: ACMG Guidelines, 2015. Collection method: clinical testing. Allele origin: germline.

Mendelics
Classification: Uncertain significance for Cystic fibrosis. Last evaluated: 2019-05-28. Review status: criteria provided, single submitter. Criteria: Mendelics Assertion Criteria 2017. Collection method: clinical testing. Allele origin: unknown.

Eurofins Ntd Llc (ga)
Classification: Uncertain significance. Last evaluated: 2017-12-21. Review status: criteria provided, single submitter. Criteria: EGL Classification Definitions 2015. Collection method: clinical testing. Allele origin: germline. Observed: 1 variant allele, 1 heterozygote.

Illumina Laboratory Services, Illumina
Classification: Likely benign for CFTR-Related Disorders. Last evaluated: 2017-04-27. Review status: criteria provided, single submitter. Criteria: ICSL Variant Classification Criteria 13 December 2019. Collection method: clinical testing. Allele origin: germline.
Comment: This variant was observed as part of a predisposition screen in an ostensibly healthy population. A literature search was performed for the gene, cDNA change, and amino acid change (where applicable). Publications were found based on this search. The evidence from the literature, in combination with allele frequency data from public databases where available, was sufficient to determine this variant is unlikely to cause disease. Therefore, this variant is classified as likely benign.

PreventionGenetics, part of Exact Sciences
Classification: Uncertain significance for CFTR-related condition. Last evaluated: 2024-07-08. Review status: no assertion criteria provided. Collection method: clinical testing. Allele origin: germline. Not counted in ClinVar's aggregate classification.
Comment: The CFTR c.4357C>T variant is predicted to result in the amino acid substitution p.Arg1453Trp. This variant has been reported in patients with idiopathic pancreatitis or bronchitis from Japan and Korea as well as in healthy individuals (Kondo et al. 2015. PubMed ID: 26089335; Kim et al. 2010. PubMed ID: 20879059; Lee et al. 2003. PubMed ID: 12952861). However, this variant does not appear to affect CFTR protein expression and results are conflicting on whether chloride channel activity is affected (Lee et al. 2003. PubMed ID: 12952861). This variant is reported in 0.10% of alleles in individuals of East Asian descent in gnomAD. Although we suspect that this variant may be benign, the clinical significance of this variant is classified as uncertain at this time due to insufficient functional and genetic evidence.

Molecular Genetics Laboratory, BC Children's and BC Women's Hospitals
Classification: Uncertain significance for CFTR-related disorder. Last evaluated: 2024-02-20. Review status: no assertion criteria provided. Criteria: ACMG Guidelines, 2015. Collection method: clinical testing. Allele origin: germline. Affected: yes. Not counted in ClinVar's aggregate classification.

Genome Diagnostics Laboratory, The Hospital for Sick Children
Classification: Uncertain significance for CFTR-related disorders. Last evaluated: 2019-07-25. Review status: no assertion criteria provided. Collection method: clinical testing. Allele origin: germline. Not counted in ClinVar's aggregate classification.

Natera, Inc.
Classification: Uncertain significance for CFTR-related disorders. Last evaluated: 2018-03-22. Review status: no assertion criteria provided. Collection method: clinical testing. Allele origin: germline. Not counted in ClinVar's aggregate classification.

Literature cited by the submitters: PubMed 12166651 (cited by Women's Health and Genetics/Laboratory Corporation of America, LabCorp and Quest Diagnostics Nichols Institute San Juan Capistrano); PubMed 15121783 (cited by 5 submitters); PubMed 12952861 (cited by 4 submitters); PubMed 17003641 (cited by 4 submitters); PubMed 20879059 (cited by Women's Health and Genetics/Laboratory Corporation of America, LabCorp and Quest Diagnostics Nichols Institute San Juan Capistrano); PubMed 11504857 (cited by Women's Health and Genetics/Laboratory Corporation of America, LabCorp); PubMed 25492507 (cited by 5 submitters); PubMed 26089335 (cited by 5 submitters); PubMed 30992994 (cited by 5 submitters); PubMed 20571109 (cited by Women's Health and Genetics/Laboratory Corporation of America, LabCorp and Quest Diagnostics Nichols Institute San Juan Capistrano); PubMed 36599151 (cited by Women's Health and Genetics/Laboratory Corporation of America, LabCorp); PubMed 26358851 (cited by Mayo Clinic Laboratories, Mayo Clinic); PubMed 35387941 (cited by Mayo Clinic Laboratories, Mayo Clinic and Ambry Genetics); PubMed 38695616 (cited by Mayo Clinic Laboratories, Mayo Clinic); PubMed 39855646 (cited by Mayo Clinic Laboratories, Mayo Clinic); PubMed 40682402 (cited by Mayo Clinic Laboratories, Mayo Clinic); PubMed 19383231 (cited by Sema4 and Quest Diagnostics Nichols Institute San Juan Capistrano); PubMed 22664493 (cited by Quest Diagnostics Nichols Institute San Juan Capistrano).